The following is an entry in ClinVar:

NM_004562.3(PRKN):c.920T>C (p.Leu307Pro)

Gene: PRKN (parkin RBR E3 ubiquitin protein ligase; minus strand). Cytogenetic location: 6q26.
Variant type: single nucleotide variant.
Coding change: c.920T>C on transcript NM_004562.3 (MANE Select); coding-DNA position 920, T replaced by C.
Protein change: p.Leu307Pro; replaces leucine 307 with proline.
Molecular consequence: missense variant.
Genome position (GRCh38, 1-based): chr6:161,569,368, A>G on the plus strand (T>C on the coding strand, the complement: PRKN is on the minus strand). VCF-style: chr6-161569368-A-G. GRCh37 (hg19) VCF-style: chr6-161990400-A-G.
Other names: c.473T>C, p.Leu158Pro (NM_013988.3); c.836T>C, p.Leu279Pro (NM_013987.3); short protein forms L307P, L158P, L279P.
Identifiers: ClinVar variation 3710103 (VCV003710103.2).

ClinVar aggregate classification (germline): Uncertain significance (1 of 4 stars; one submission).

Submission:

Labcorp Genetics (formerly Invitae), Labcorp
Classification: Uncertain significance. Last evaluated: 2026-01-05. Review status: criteria provided, single submitter. Criteria: Invitae Variant Classification Sherloc (09022015). Collection method: clinical testing. Allele origin: germline.
Comment: This sequence change replaces leucine, which is neutral and non-polar, with proline, which is neutral and non-polar, at codon 307 of the PRKN protein (p.Leu307Pro). This variant is not present in population databases (gnomAD no frequency). This variant has not been reported in the literature in individuals affected with PRKN-related conditions. ClinVar contains an entry for this variant (Variation ID: 3710103). Invitae Evidence Modeling of protein sequence and biophysical properties (such as structural, functional, and spatial information, amino acid conservation, physicochemical variation, residue mobility, and thermodynamic stability) indicates that this missense variant is expected to disrupt PRKN protein function with a positive predictive value of 80%. In summary, the available evidence is currently insufficient to determine the role of this variant in disease. Therefore, it has been classified as a Variant of Uncertain Significance.